The following is an entry in ClinVar:

ClinVar aggregate classification (germline): Uncertain significance (1 of 4 stars; one submission).

Conditions:
Pyruvate carboxylase deficiency. Also called: LEIGH NECROTIZING ENCEPHALOPATHY DUE TO PYRUVATE CARBOXYLASE DEFICIENCY; LEIGH SYNDROME DUE TO PYRUVATE CARBOXYLASE DEFICIENCY; PC DEFICIENCY; Pyruvate Carboxylase Deficiency Disease; ATAXIA WITH LACTIC ACIDOSIS II. Identifiers: Orphanet 3008, MedGen C0034341, MONDO:0009949, OMIM 266150.

Allele frequency attached by ClinVar (database versions not stated): gnomAD exomes below 0.00001.
gnomAD v4.1: 1 of 1,568,282 alleles (0.000064%); highest among the groups gnomAD compares: Non-Finnish European, 0.000086%; no homozygotes.

Submission:

Labcorp Genetics (formerly Invitae), Labcorp
Classification: Uncertain significance for Pyruvate carboxylase deficiency. Last evaluated: 2022-08-04. Review status: criteria provided, single submitter. Criteria: Invitae Variant Classification Sherloc (09022015). Collection method: clinical testing. Allele origin: germline.
Comment: This sequence change replaces serine, which is neutral and polar, with phenylalanine, which is neutral and non-polar, at codon 26 of the PC protein (p.Ser26Phe). This variant is not present in population databases (gnomAD no frequency). This variant has not been reported in the literature in individuals affected with PC-related conditions. ClinVar contains an entry for this variant (Variation ID: 1413433). Algorithms developed to predict the effect of missense changes on protein structure and function (SIFT, PolyPhen-2, Align-GVGD) all suggest that this variant is likely to be tolerated. In summary, the available evidence is currently insufficient to determine the role of this variant in disease. Therefore, it has been classified as a Variant of Uncertain Significance.

NM_001040716.2(PC):c.77C>T (p.Ser26Phe)

Gene: PC (pyruvate carboxylase; minus strand). Cytogenetic location: 11q13.2.
Variant type: single nucleotide variant.
Coding change: c.77C>T on transcript NM_001040716.2 (MANE Select); coding-DNA position 77, C replaced by T.
Protein change: p.Ser26Phe; replaces serine 26 with phenylalanine.
Molecular consequence: missense variant.
Genome position (GRCh38, 1-based): chr11:66,872,083, G>A on the plus strand (C>T on the coding strand, the complement: PC is on the minus strand). VCF-style: chr11-66872083-G-A. GRCh37 (hg19) VCF-style: chr11-66639554-G-A.
Other names: c.77C>T, p.Ser26Phe (NM_022172.3, NM_000920.4); short protein forms S26F.
Identifiers: ClinVar variation 1413433 (VCV001413433.5), dbSNP rs2135943988, ClinGen allele CA381503507.
Genomic context (GRCh38, chr11:66,872,083, plus strand): 5'-CCTCTGTTGGCCACCATGACTTTCTTGATGGGCTTATACTCCAGGCGCCGGACATTTGGG[G>A]AGGCAGCGGGGGCGGTGGAGGTTCGGCGGATTCCCAGGAGCCTCAGGCCCCCATGGACTG-3'
Protein context (NP_001035806.1, residues 16-36): IRRTSTAPAA[Ser26Phe]PNVRRLEYKP